The following is an entry in ClinVar:

NM_001258392.3(CLPB):c.1535A>T (p.Glu512Val)

Gene: CLPB (ClpB family mitochondrial disaggregase; minus strand). Cytogenetic location: 11q13.4.
Variant type: single nucleotide variant.
Coding change: c.1535A>T on transcript NM_001258392.3 (MANE Select); coding-DNA position 1535, A replaced by T.
Protein change: p.Glu512Val; replaces glutamic acid 512 with valine.
Molecular consequence: missense variant.
Genome position (GRCh38, 1-based): chr11:72,294,645, T>A on the plus strand (A>T on the coding strand, the complement: CLPB is on the minus strand). VCF-style: chr11-72294645-T-A. GRCh37 (hg19) VCF-style: chr11-72005689-T-A.
Other names: c.1448A>T, p.Glu483Val (NM_001258393.3); c.1490A>T, p.Glu497Val (NM_001258394.3); c.1625A>T, p.Glu542Val (NM_030813.6); short protein forms E542V, E512V, E497V, E483V.
Identifiers: ClinVar variation 384977 (VCV000384977.12), dbSNP rs373383193, ClinGen allele CA6171134.

ClinVar aggregate classification (germline): Benign. Review status: criteria provided, multiple submitters, no conflicts (2 of 4 stars). 2 submissions from 2 submitters: Benign (2). Last evaluated 2025-12-27.

Conditions:
3-methylglutaconic aciduria, type VIIB (MGCA7B). Also called: 3-methylglutaconic aciduria with cataracts, neurologic involvement and neutropenia; CLPB Deficiency; 3-methylglutaconic aciduria, type VII, with cataracts, neurologic involvement and neutropenia. Identifiers: Orphanet 445038, MedGen C5676893, MONDO:0014561, OMIM 616271.

Allele frequency attached by ClinVar (database versions not stated): gnomAD 0.00005 and 0.00067; TOPMed 0.00013; gnomAD exomes 0.00121 and 0.00242; ExAC 0.00270; 1000 Genomes Project 0.00300; 1000 Genomes Project 30x 0.00312.
gnomAD v4.1: 1,877 of 1,614,184 alleles (0.12%); highest among the groups gnomAD compares: South Asian, 1.9%; 39 homozygotes.

Submissions (3):

Labcorp Genetics (formerly Invitae), Labcorp
Classification: Benign for 3-methylglutaconic aciduria, type VIIB. Last evaluated: 2025-12-27. Review status: criteria provided, single submitter. Criteria: Invitae Variant Classification Sherloc (09022015). Collection method: clinical testing. Allele origin: germline.

GeneDx
Classification: Benign. Last evaluated: 2016-06-07. Review status: criteria provided, single submitter. Criteria: GeneDx Variant Classification (06012015). Collection method: clinical testing. Allele origin: germline. Affected: yes.
Comment: This variant is considered likely benign or benign based on one or more of the following criteria: it is a conservative change, it occurs at a poorly conserved position in the protein, it is predicted to be benign by multiple in silico algorithms, and/or has population frequency not consistent with disease.

Dr. Peter K. Rogan Lab, Western University
No classification provided (evidence only). Condition: Melanoma. Review status: no classification provided. Collection method: in vitro. Allele origin: not applicable. Functional consequence: retained intron. Not counted in ClinVar's aggregate classification.